The following is an entry in ClinVar:

NM_005634.3(SOX3):c.1004G>T (p.Gly335Val)

Gene: SOX3 (SRY-box transcription factor 3; minus strand). Cytogenetic location: Xq27.1.
Variant type: single nucleotide variant.
Coding change: c.1004G>T on transcript NM_005634.3 (MANE Select); coding-DNA position 1004, G replaced by T.
Protein change: p.Gly335Val; replaces glycine 335 with valine.
Molecular consequence: missense variant.
Genome position (GRCh38, 1-based): chrX:140,504,057, C>A on the plus strand (G>T on the coding strand, the complement: SOX3 is on the minus strand). VCF-style: chrX-140504057-C-A. GRCh37 (hg19) VCF-style: chrX-139586222-C-A.
Other names: short protein forms G335V.
Identifiers: ClinVar variation 2661540 (VCV002661540.24), dbSNP rs1184594888, ClinGen allele CA414477506.
Genomic context (GRCh38, chrX:140,504,057, plus strand): 5'-GCGGTGGCGGGCTGCTGCCCGTAGGCGGCGGCCGCGGCTGCTGTGGCTGAGGGCGCCATG[C>A]CCCCGTAGCCCGAGGCGGCGGCGGCCGCGGCAGCGACGTTCATGTAGCTCTGAGCGCCGG-3'
Protein context (NP_005625.2, residues 325-345): AAAAAASGYG[Gly335Val]MAPSATAAAA

ClinVar aggregate classification (germline): Uncertain significance (1 of 4 stars; one submission).

Submission:

CeGaT Center for Human Genetics Tuebingen
Classification: Uncertain significance. Last evaluated: 2023-04-01. Review status: criteria provided, single submitter. Criteria: CeGaT Center For Human Genetics Tuebingen Variant Classification Criteria Version 2. Collection method: clinical testing. Allele origin: germline. Affected: yes. Observed: 1 variant allele.
Comment: SOX3: PM2, PP3